The following is an entry in ClinVar:

ClinVar aggregate classification (germline): Uncertain significance (1 of 4 stars; one submission).

Submission:

CeGaT Center for Human Genetics Tuebingen
Classification: Uncertain significance. Last evaluated: 2026-01-01. Review status: criteria provided, single submitter. Criteria: CeGaT Center For Human Genetics Tuebingen Variant Classification Criteria Version 2. Collection method: clinical testing. Allele origin: germline. Affected: yes. Observed: 1 variant allele.
Comment: SCN10A: PM2

NM_006514.4(SCN10A):c.1955T>G (p.Val652Gly)

Gene: SCN10A (sodium voltage-gated channel alpha subunit 10; minus strand). Cytogenetic location: 3p22.2.
Variant type: single nucleotide variant.
Coding change: c.1955T>G on transcript NM_006514.4 (MANE Select); coding-DNA position 1955, T replaced by G.
Protein change: p.Val652Gly; replaces valine 652 with glycine.
Molecular consequence: missense variant.
Genome position (GRCh38, 1-based): chr3:38,742,442, A>C on the plus strand (T>G on the coding strand, the complement: SCN10A is on the minus strand). VCF-style: chr3-38742442-A-C. GRCh37 (hg19) VCF-style: chr3-38783933-A-C.
Other names: c.1955T>G, p.Val652Gly (NM_001293306.2); c.1661T>G, p.Val554Gly (NM_001293307.2); short protein forms V554G, V652G.
Identifiers: ClinVar variation 4823081 (VCV004823081.4).
Genomic context (GRCh38, chr3:38,742,442, plus strand): 5'-GTGATGGTGAGCTCTGCAAAGGGATCCGTCACAAGCCCAAAGAGAATTGTCTTGAGCTTC[A>C]CCCACATGGGGCAGCAATCCCAGATCAGATACTTCTGAGACAAGCTGGTCAAGCAGGGTG-3'
Protein context (NP_006505.4, residues 642-662): YLIWDCCPMW[Val652Gly]KLKTILFGLV